The following is an entry in ClinVar:

ClinVar aggregate classification (germline): Uncertain significance. Review status: criteria provided, multiple submitters, no conflicts (2 of 4 stars). 3 submissions from 3 submitters: Uncertain significance (3). Last evaluated 2024-04-09.

Conditions:
Inborn genetic diseases. Identifiers: MedGen C0950123, MeSH D030342.
Myoglobinuria, acute recurrent, autosomal recessive. Also called: Myoglobinuria, recurrent, autosomal recessive; MYOGLOBINURIA, FAMILIAL PAROXYSMAL PARALYTIC; RHABDOMYOLYSIS, ACUTE RECURRENT. Identifiers: Orphanet 99845, MedGen C1849386, MONDO:0009992, OMIM 268200.

Allele frequency attached by ClinVar (database versions not stated): gnomAD 0.00001; ExAC 0.00002; gnomAD exomes 0.00003 and 0.00007; TOPMed 0.00003; ESP Exome Variant Server 0.00008.
gnomAD v4.1: 110 of 1,614,114 alleles (0.0068%); highest among the groups gnomAD compares: Non-Finnish European, 0.009%; no homozygotes.

Submissions (3):

Ambry Genetics
Classification: Uncertain significance for Inborn genetic diseases. Last evaluated: 2024-04-09. Review status: criteria provided, single submitter. Criteria: Ambry Variant Classification Scheme 2023. Collection method: clinical testing. Allele origin: germline.

Fulgent Genetics
Classification: Uncertain significance for Myoglobinuria, acute recurrent, autosomal recessive. Last evaluated: 2024-03-18. Review status: criteria provided, single submitter. Criteria: ACMG Guidelines, 2015. Collection method: clinical testing. Allele origin: germline.

Labcorp Genetics (formerly Invitae), Labcorp
Classification: Uncertain significance. Last evaluated: 2022-09-14. Review status: criteria provided, single submitter. Criteria: Invitae Variant Classification Sherloc (09022015). Collection method: clinical testing. Allele origin: germline.
Comment: This sequence change replaces threonine, which is neutral and polar, with isoleucine, which is neutral and non-polar, at codon 338 of the LPIN1 protein (p.Thr338Ile). This variant is present in population databases (rs141438400, gnomAD 0.006%), including at least one homozygous and/or hemizygous individual. This variant has not been reported in the literature in individuals affected with LPIN1-related conditions. ClinVar contains an entry for this variant (Variation ID: 1412584). Advanced modeling of protein sequence and biophysical properties (such as structural, functional, and spatial information, amino acid conservation, physicochemical variation, residue mobility, and thermodynamic stability) performed at Invitae indicates that this missense variant is not expected to disrupt LPIN1 protein function. In summary, the available evidence is currently insufficient to determine the role of this variant in disease. Therefore, it has been classified as a Variant of Uncertain Significance.

NM_001349206.2(LPIN1):c.1121C>T (p.Thr374Ile)

Gene: LPIN1 (lipin 1; plus strand). Cytogenetic location: 2p25.1.
Variant type: single nucleotide variant.
Coding change: c.1121C>T on transcript NM_001349206.2 (MANE Select); coding-DNA position 1121, C replaced by T.
Protein change: p.Thr374Ile; replaces threonine 374 with isoleucine.
Molecular consequence: missense variant. On other transcripts: non-coding transcript variant (1).
Genome position (GRCh38, 1-based): chr2:11,782,364, C>T. VCF-style: chr2-11782364-C-T. GRCh37 (hg19) VCF-style: chr2-11922490-C-T.
Other names: c.1013C>T (NM_145693.1); c.1031C>T, p.Thr344Ile (NM_001261427.3); c.1268C>T, p.Thr423Ile (NM_001261428.3); c.1013C>T, p.Thr338Ile (NM_001349199.2, NM_001349200.2, NM_001349201.2 and 1 more transcripts); c.1118C>T, p.Thr373Ile (NM_001349202.2, NM_001349203.2); c.1121C>T, p.Thr374Ile (NM_001349204.2, NM_001349205.2); c.1211C>T, p.Thr404Ile (NM_001349207.2); c.1160C>T, p.Thr387Ile (NM_001349208.2); short protein forms T344I, T374I, T404I, T338I, T373I, T387I, T423I.
Identifiers: ClinVar variation 1412584 (VCV001412584.6), dbSNP rs141438400, ClinGen allele CA1533610.